The following is an entry in ClinVar:

NM_001395159.1(UNC79):c.8121A>G (p.Leu2707=)

Gene: UNC79 (unc-79 subunit of NALCN channel complex; plus strand). Cytogenetic location: 14q32.12.
Variant type: single nucleotide variant.
Coding change: c.8121A>G on transcript NM_001395159.1 (MANE Select); coding-DNA position 8121, A replaced by G.
Protein change: p.Leu2707=; no amino-acid change (leucine 2707 retained).
Molecular consequence: synonymous variant.
Genome position (GRCh38, 1-based): chr14:93,706,901, A>G. VCF-style: chr14-93706901-A-G. GRCh37 (hg19) VCF-style: chr14-94173247-A-G.
Other names: c.8055A>G, p.Leu2685= (NM_001346218.2); c.7374A>G, p.Leu2458= (NM_020818.5).
Identifiers: ClinVar variation 4083677 (VCV004083677.8).

ClinVar aggregate classification (germline): Likely benign (1 of 4 stars; one submission).

gnomAD v4.1: 2,401 of 1,614,174 alleles (0.15%); highest among the groups gnomAD compares: Non-Finnish European, 0.17%; 3 homozygotes.

Submission:

CeGaT Center for Human Genetics Tuebingen
Classification: Likely benign. Last evaluated: 2025-08-01. Review status: criteria provided, single submitter. Criteria: CeGaT Center For Human Genetics Tuebingen Variant Classification Criteria Version 2. Collection method: clinical testing. Allele origin: germline. Affected: yes. Observed: 1 variant allele.
Comment: UNC79: BP4, BP7